The following is an entry in ClinVar:

ClinVar aggregate classification (germline): Uncertain significance (1 of 4 stars; one submission).

gnomAD v4.1: 1 of 1,189,579 alleles (0.000084%); no homozygotes.

Submission:

Labcorp Genetics (formerly Invitae), Labcorp
Classification: Uncertain significance. Last evaluated: 2022-07-13. Review status: criteria provided, single submitter. Criteria: Invitae Variant Classification Sherloc (09022015). Collection method: clinical testing. Allele origin: germline.
Comment: In summary, the available evidence is currently insufficient to determine the role of this variant in disease. Therefore, it has been classified as a Variant of Uncertain Significance. Algorithms developed to predict the effect of missense changes on protein structure and function are either unavailable or do not agree on the potential impact of this missense change (SIFT: "Deleterious"; PolyPhen-2: "Benign"; Align-GVGD: "Class C65"). This variant has not been reported in the literature in individuals affected with FGD1-related conditions. This variant is not present in population databases (gnomAD no frequency). This sequence change replaces alanine, which is neutral and non-polar, with serine, which is neutral and polar, at codon 195 of the FGD1 protein (p.Ala195Ser).

NM_004463.3(FGD1):c.583G>T (p.Ala195Ser)

Gene: FGD1 (FYVE, RhoGEF and PH domain containing 1; minus strand). Cytogenetic location: Xp11.22.
Variant type: single nucleotide variant.
Coding change: c.583G>T on transcript NM_004463.3 (MANE Select); coding-DNA position 583, G replaced by T.
Protein change: p.Ala195Ser; replaces alanine 195 with serine.
Molecular consequence: missense variant.
Genome position (GRCh38, 1-based): chrX:54,470,659, C>A on the plus strand (G>T on the coding strand, the complement: FGD1 is on the minus strand). VCF-style: chrX-54470659-C-A. GRCh37 (hg19) VCF-style: chrX-54497092-C-A.
Other names: short protein forms A195S.
Identifiers: ClinVar variation 2016843 (VCV002016843.4), dbSNP rs1445772652, ClinGen allele CA413249444.